The following is an entry in ClinVar:

ClinVar aggregate classification (germline): Uncertain significance (1 of 4 stars; one submission).

gnomAD v4.1: 11 of 1,206,846 alleles (0.00091%); highest among the groups gnomAD compares: South Asian, 0.0053%; no homozygotes.

Submission:

Ambry Genetics
Classification: Uncertain significance. Last evaluated: 2026-03-03. Review status: criteria provided, single submitter. Criteria: Ambry Variant Classification Scheme 2023. Collection method: clinical testing. Allele origin: germline.
Comment: The c.5108G>A (p.R1703H) alteration is located in exon 31 (coding exon 29) of the PLXNB3 gene. This alteration results from a G to A substitution at nucleotide position 5108, causing the arginine (R) at amino acid position 1703 to be replaced by a histidine (H). Based on data from gnomAD, the A allele has an overall frequency of 0.001% (2/172825) total alleles studied. The highest observed frequency was 0.006% (1/18241) of South Asian alleles. Based on insufficient or conflicting evidence, the clinical significance of this alteration remains unclear.

NM_005393.3(PLXNB3):c.5039G>A (p.Arg1680His)

Gene: PLXNB3 (plexin B3; plus strand). Cytogenetic location: Xq28.
Variant type: single nucleotide variant.
Coding change: c.5039G>A on transcript NM_005393.3 (MANE Select); coding-DNA position 5039, G replaced by A.
Protein change: p.Arg1680His; replaces arginine 1680 with histidine.
Molecular consequence: missense variant.
Genome position (GRCh38, 1-based): chrX:153,777,319, G>A. VCF-style: chrX-153777319-G-A. GRCh37 (hg19) VCF-style: chrX-153042774-G-A.
Other names: c.5108G>A, p.Arg1703His (NM_001163257.2); short protein forms R1680H, R1703H.
Identifiers: ClinVar variation 4830279 (VCV004830279.1).
Genomic context (GRCh38, chrX:153,777,319, plus strand): 5'-TGGTGAAAGCCACCGAGGAGCCAGAAGGGGCCAAGGTGCGGTGCAGCAGCCTGCGGGAGC[G>A]CGAGCCAGCAAGGGCCAAGGCCATTCCGGAAATCTACCTCACCCGTCTGCTGTCCATGAA-3'
Protein context (NP_005384.2, residues 1670-1690): AKVRCSSLRE[Arg1680His]EPARAKAIPE